The following is an entry in ClinVar:

ClinVar aggregate classification (germline): Likely benign (1 of 4 stars; one submission).

Allele frequency attached by ClinVar (database versions not stated): gnomAD exomes 0.00256; ESP Exome Variant Server 0.00331; ExAC 0.00337; TOPMed 0.00354; 1000 Genomes Project 30x 0.00437; 1000 Genomes Project 0.00439; gnomAD 0.00488.
gnomAD v4.1: 4,530 of 1,612,726 alleles (0.28%); highest among the groups gnomAD compares: African/African-American, 0.67%; 33 homozygotes.

Submission:

CeGaT Center for Human Genetics Tuebingen
Classification: Likely benign. Last evaluated: 2026-03-01. Review status: criteria provided, single submitter. Criteria: CeGaT Center For Human Genetics Tuebingen Variant Classification Criteria Version 2. Collection method: clinical testing. Allele origin: germline. Affected: yes. Observed: 2 variant alleles.
Comment: AXIN1: BP4, BP7, BS2

NM_003502.4(AXIN1):c.1167G>A (p.Ala389=)

Gene: AXIN1 (axin 1; minus strand). Cytogenetic location: 16p13.3.
Variant type: single nucleotide variant.
Coding change: c.1167G>A on transcript NM_003502.4 (MANE Select); coding-DNA position 1167, G replaced by A.
Protein change: p.Ala389=; no amino-acid change (alanine 389 retained).
Molecular consequence: synonymous variant. On other transcripts: non-coding transcript variant (1).
Genome position (GRCh38, 1-based): chr16:304,391, C>T on the plus strand (G>A on the coding strand, the complement: AXIN1 is on the minus strand). VCF-style: chr16-304391-C-T. GRCh37 (hg19) VCF-style: chr16-354391-C-T.
Other names: c.1167G>A, p.Ala389= (NM_181050.3).
Identifiers: ClinVar variation 2645786 (VCV002645786.24), dbSNP rs151172370, ClinGen allele CA7774284.